The following is an entry in ClinVar:

ClinVar aggregate classification (germline): Pathogenic/Likely pathogenic. Review status: criteria provided, multiple submitters, no conflicts (2 of 4 stars). 6 submissions from 6 submitters: Pathogenic (4); Likely pathogenic (1). 1 of the submissions does not count toward it. Last evaluated 2025-12-21.

Conditions:
Intellectual disability, autosomal recessive 53 (NEDHSCA). Also called: GLYCOSYLPHOSPHATIDYLINOSITOL BIOSYNTHESIS DEFECT 13; Mental retardation, autosomal recessive 53; NEURODEVELOPMENTAL DISORDER WITH OR WITHOUT HYPOTONIA, SEIZURES, AND CEREBELLAR ATROPHY. Identifiers: Orphanet 488635, MedGen C4310794, MONDO:0014832, OMIM 616917.

Submissions (6):

Labcorp Genetics (formerly Invitae), Labcorp
Classification: Pathogenic for Intellectual disability, autosomal recessive 53. Last evaluated: 2025-12-21. Review status: criteria provided, single submitter. Criteria: Invitae Variant Classification Sherloc (09022015). Collection method: clinical testing. Allele origin: germline.
Comment: This sequence change creates a premature translational stop signal (p.Thr115Tyrfs*50) in the PIGG gene. It is expected to result in an absent or disrupted protein product. Loss-of-function variants in PIGG are known to be pathogenic (PMID: 26996948, 28581210, 28771251). This variant is present in population databases (no rsID available, gnomAD 0.006%). This variant has not been reported in the literature in individuals affected with PIGG-related conditions. ClinVar contains an entry for this variant (Variation ID: 280494). For these reasons, this variant has been classified as Pathogenic.

GeneDx
Classification: Pathogenic. Last evaluated: 2025-11-05. Review status: criteria provided, single submitter. Criteria: GeneDx Variant Classification Process June 2021. Collection method: clinical testing. Allele origin: germline. Affected: yes.
Comment: Frameshift variant predicted to result in protein truncation or nonsense mediated decay in a gene for which loss of function is a known mechanism of disease; Not observed at significant frequency in large population cohorts (gnomAD); This variant is associated with the following publications: (PMID: 34113002)

Daryl Scott Lab, Baylor College of Medicine
Classification: Pathogenic for Intellectual disability, autosomal recessive 53. Last evaluated: 2025-08-25. Review status: criteria provided, single submitter. Criteria: ACMG Guidelines, 2015. Collection method: clinical testing. Allele origin: paternal. Affected: yes. Observed: 1 heterozygote.
Comment: PVS1, PS4, PM2

Variantyx, Inc.
Classification: Pathogenic for Intellectual disability, autosomal recessive 53. Last evaluated: 2025-03-13. Review status: criteria provided, single submitter. Criteria: Variantyx Assertion Criteria 2022. Collection method: clinical testing. Allele origin: maternal.
Comment: This is a frameshift variant in the PIGG gene (OMIM: 616918). Pathogenic variants in this gene have been associated with autosomal recessive neurodevelopmental disorder with or without hypotonia, seizures, and cerebellar atrophy. This variant introduces a premature termination codon in exon 2 out of 13. It is expected to result in loss of function, which is a known disease mechanism for PIGG in this disorder (PMID: 28581210, 26996948) (PVS1). This variant has been identified in the homozygous or compound heterozygous state in at least one individual(s) from the published literature (PMID: 34113002) (PM3). This variant has a 0.0045% maximum allele frequency in non-founder control populations (PM2_Supporting). Based on the current evidence, this variant is classified as pathogenic for autosomal recessive neurodevelopmental disorder with or without hypotonia, seizures, and cerebellar atrophy.

Baylor Genetics
Classification: Likely pathogenic for Intellectual disability, autosomal recessive 53. Last evaluated: 2020-12-26. Review status: criteria provided, single submitter. Criteria: ACMG Guidelines, 2015. Collection method: clinical testing. Allele origin: unknown.

Genetic Services Laboratory, University of Chicago
Classification: Pathogenic. Last evaluated: 2022-07-22. Review status: no assertion criteria provided. Collection method: clinical testing. Allele origin: germline. Affected: yes. Not counted in ClinVar's aggregate classification.
Comment: DNA sequence analysis of the PIGG gene demonstrated a single base pair duplication in exon 2, c.342dup. This sequence change results in an amino acid frameshift and creates a premature stop codon 49 amino acids downstream of the change, p.Thr115Tyrfs*50. This sequence change is predicted to result in an abnormal transcript, which may be degraded, or may lead to the production of a truncated PIGG protein with potentially abnormal function. This sequence change has been described in the gnomAD database in two individuals which corresponds to a population frequency of 0.005 % (dbSNP rs886041687). This sequence change has previously been described in an individual with developmental delay and intellectual disability with other PIGG deficiency–associated features along with another change in the same gene (PMID: 34113002). These collective evidences indicate that this sequence change is pathogenic, however functional studies have not been performed to prove this conclusively.

Literature cited by the submitters: PubMed 26996948 (cited by Labcorp Genetics (formerly Invitae), Labcorp); PubMed 28581210 (cited by Labcorp Genetics (formerly Invitae), Labcorp); PubMed 28771251 (cited by Labcorp Genetics (formerly Invitae), Labcorp).

NM_001127178.3(PIGG):c.342dup (p.Thr115fs)

Gene: PIGG (phosphatidylinositol glycan anchor biosynthesis class G (EMM blood group); plus strand). Cytogenetic location: 4p16.3.
Variant type: Duplication.
Coding change: c.342dup on transcript NM_001127178.3 (MANE Select); coding-DNA position 342, one base duplicated (T; older notation c.342dupT).
Protein change: p.Thr115fs; shifts the reading frame from threonine 115.
Molecular consequence: frameshift variant. On other transcripts: 5 prime UTR variant (5), non-coding transcript variant (10).
Genome position (GRCh38, 1-based): chr4:500,583, T duplicated; the last of 2 consecutive T bases (chr4:500,582-500,583); duplicating either gives the same sequence. VCF-style (leftmost placement, unchanged base first): chr4-500581-G-GT. GRCh37 (hg19) VCF-style: chr4-494370-G-GT.
Other names: c.75dup, p.Thr26fs (NM_001289051.2, NM_001289053.2, NM_001289057.2 and 2 more transcripts); c.342dup, p.Thr115fs (NM_001289052.2, NM_001345989.2, NM_017733.5); c.-95dup (NM_001289055.2); c.-546dup (NM_001345988.2); c.-1284dup (NM_001345990.2); c.-1146dup (NM_001345991.2); c.-871dup (NM_001345994.2); c.342dup (NM_001127178.2); short protein forms T26fs, T115fs.
Identifiers: ClinVar variation 280494 (VCV000280494.12), dbSNP rs886041687, ClinGen allele CA10602938.